The following is an entry in ClinVar:

NM_004370.6(COL12A1):c.644G>A (p.Gly215Asp)

Gene: COL12A1 (collagen type XII alpha 1 chain; minus strand). Cytogenetic location: 6q13.
Variant type: single nucleotide variant.
Coding change: c.644G>A on transcript NM_004370.6 (MANE Select); coding-DNA position 644, G replaced by A.
Protein change: p.Gly215Asp; replaces glycine 215 with aspartic acid.
Molecular consequence: missense variant. On other transcripts: intron variant (1).
Genome position (GRCh38, 1-based): chr6:75,189,566, C>T on the plus strand (G>A on the coding strand, the complement: COL12A1 is on the minus strand). VCF-style: chr6-75189566-C-T. GRCh37 (hg19) VCF-style: chr6-75899282-C-T.
Other names: c.73+13154G>A (NM_080645.3); short protein forms G215D.
Identifiers: ClinVar variation 1718544 (VCV001718544.6), dbSNP rs2533602952, ClinGen allele CA364728479.
Genomic context (GRCh38, chr6:75,189,566, plus strand): 5'-AGACATTTCATTTATTTTTAACTTTAAAAAAATCTGTAGAACATACCTGTCATTGTGTTG[C>T]CACCTTTATATGGAATTTTTTTTATTGCAGCAAGAAGTTCATCCCTTTGGTAGTACTGAT-3'
Protein context (NP_004361.3, residues 205-225): AAIKKIPYKG[Gly215Asp]NTMTGDAIDY

ClinVar aggregate classification (germline): Uncertain significance (1 of 4 stars; one submission).

Conditions:
Ullrich congenital muscular dystrophy 2 (UCMD2). Identifiers: Orphanet 75840, MedGen C4225314, MONDO:0014654, OMIM 616470.
Bethlem myopathy 2 (BTHLM2). Identifiers: Orphanet 536516, Orphanet 610, MedGen C4225313, MONDO:0034022, OMIM 616471.

Submission:

Labcorp Genetics (formerly Invitae), Labcorp
Classification: Uncertain significance for Bethlem myopathy 2; Ullrich congenital muscular dystrophy 2. Last evaluated: 2022-10-13. Review status: criteria provided, single submitter. Criteria: Invitae Variant Classification Sherloc (09022015). Collection method: clinical testing. Allele origin: germline.
Comment: In summary, the available evidence is currently insufficient to determine the role of this variant in disease. Therefore, it has been classified as a Variant of Uncertain Significance. Advanced modeling of protein sequence and biophysical properties (such as structural, functional, and spatial information, amino acid conservation, physicochemical variation, residue mobility, and thermodynamic stability) performed at Invitae indicates that this missense variant is expected to disrupt COL12A1 protein function. This variant has not been reported in the literature in individuals affected with COL12A1-related conditions. This variant is not present in population databases (gnomAD no frequency). This sequence change replaces glycine, which is neutral and non-polar, with aspartic acid, which is acidic and polar, at codon 215 of the COL12A1 protein (p.Gly215Asp).